The following is an entry in ClinVar:

NM_001754.5(RUNX1):c.548C>T (p.Pro183Leu)

Genes: RUNX1 (RUNX family transcription factor 1; minus strand), RUNX1-AS1 (RUNX1 antisense RNA 1; plus strand). Cytogenetic location: 21q22.12.
Variant type: single nucleotide variant.
Coding change: c.548C>T on transcript NM_001754.5 (MANE Select); coding-DNA position 548, C replaced by T.
Protein change: p.Pro183Leu; replaces proline 183 with leucine.
Molecular consequence: missense variant.
Genome position (GRCh38, 1-based): chr21:34,859,539, G>A on the plus strand (C>T on the coding strand, the complement: RUNX1 is on the minus strand). VCF-style: chr21-34859539-G-A. GRCh37 (hg19) VCF-style: chr21-36231836-G-A.
Other names: NM_001754.5(RUNX1):c.548C>T; p.Pro183Leu; c.467C>T, p.Pro156Leu (NM_001001890.3, NM_001122607.2); short protein forms P183L, P156L.
Identifiers: ClinVar variation 2268033 (VCV002268033.3), dbSNP rs2517273831, ClinGen allele CA410208072.

ClinVar aggregate classification (germline): Uncertain significance. Review status: reviewed by expert panel (3 of 4 stars). 2 submissions from 2 submitters: Uncertain significance (1). 1 of the submissions does not count toward it. Last evaluated 2025-01-15.

Conditions:
Inborn genetic diseases. Identifiers: MedGen C0950123, MeSH D030342.
Hereditary thrombocytopenia and hematologic cancer predisposition syndrome. Identifiers: Orphanet 71290, MedGen CN281654, MONDO:0011071.

Allele frequency attached by ClinVar (database versions not stated): gnomAD exomes below 0.00001.
gnomAD v4.1: 1 of 1,614,174 alleles (0.000062%); highest among the groups gnomAD compares: Non-Finnish European, 0.000085%; no homozygotes.

Submissions (2):

ClinGen Myeloid Malignancy Variant Curation Expert Panel
Classification: Uncertain significance for Hereditary thrombocytopenia and hematologic cancer predisposition syndrome. Last evaluated: 2025-01-15. Review status: reviewed by expert panel. Criteria: ClinGen MyeloMalig ACMG Specifications v2. Collection method: curation. Allele origin: germline. Inheritance: Autosomal dominant inheritance.
Comment: NM_001754.5(RUNX1):c.548C>T (p.Pro183Leu) is a missense variant which is located within the Runt Homology Domain (AA 89-204) but does not occur in an established hotspot residue (PM1_supporting). It has a REVEL score ≥ 0.88 (0.966) (PP3). In summary, the clinical significance of this variant is uncertain. ACMG/AMP criteria applied, as specified by the Myeloid Malignancy Variant Curation Expert Panel for RUNX1: PP3, PM1_supporting.

Ambry Genetics
Classification: Uncertain significance for Inborn genetic diseases. Last evaluated: 2021-12-17. Review status: criteria provided, single submitter. Criteria: Ambry Variant Classification Scheme 2023. Collection method: clinical testing. Allele origin: germline. Not counted in ClinVar's aggregate classification.